The following is an entry in ClinVar:

NM_000268.4(NF2):c.1769C>A (p.Ala590Asp)

Gene: NF2 (NF2, moesin-ezrin-radixin like (MERLIN) tumor suppressor; plus strand). Cytogenetic location: 22q12.2.
Variant type: single nucleotide variant.
Coding change: c.1769C>A on transcript NM_000268.4 (MANE Select); coding-DNA position 1769, C replaced by A.
Protein change: p.Ala590Asp; replaces alanine 590 with aspartic acid.
Molecular consequence: missense variant. On other transcripts: 3 prime UTR variant (11), non-coding transcript variant (1).
Genome position (GRCh38, 1-based): chr22:29,694,783, C>A. VCF-style: chr22-29694783-C-A. GRCh37 (hg19) VCF-style: chr22-30090772-C-A.
Other names: c.1655C>A, p.Ala552Asp (NM_001407053.1); c.1646C>A, p.Ala549Asp (NM_001407054.1); c.1643C>A, p.Ala548Asp (NM_001407055.1); c.*41C>A (NM_001407056.1, NM_001407059.1, NM_001407065.1 and 5 more transcripts); c.1634C>A, p.Ala545Asp (NM_001407057.1); c.*56C>A (NM_001407058.1, NM_001407063.1, NM_181832.3); c.1606C>A, p.Pro536Thr (NM_001407060.1); c.1511C>A, p.Ala504Asp (NM_001407062.1); and 2 more; short protein forms A160D, A504D, A545D, A548D, A549D, A552D, A590D, P453T.
Identifiers: ClinVar variation 3231091 (VCV003231091.1), dbSNP rs1246154574, ClinGen allele CA411152282.

ClinVar aggregate classification (germline): Uncertain significance (1 of 4 stars; one submission).

Conditions:
Hereditary cancer-predisposing syndrome. Also called: Neoplastic Syndromes, Hereditary; Tumor predisposition; Hereditary neoplastic syndrome; Hereditary Cancer Syndrome. Identifiers: Orphanet 140162, MedGen C0027672, MeSH D009386, MONDO:0015356.

Submission:

Ambry Genetics
Classification: Uncertain significance for Hereditary cancer-predisposing syndrome. Last evaluated: 2024-01-27. Review status: criteria provided, single submitter. Criteria: Ambry Variant Classification Scheme 2023. Collection method: clinical testing. Allele origin: germline.
Comment: The p.A590D variant (also known as c.1769C>A), located in coding exon 16 of the NF2 gene, results from a C to A substitution at nucleotide position 1769. The alanine at codon 590 is replaced by aspartic acid, an amino acid with dissimilar properties. This amino acid position is conserved. In addition, this alteration is predicted to be deleterious by in silico analysis. Based on the available evidence, the clinical significance of this alteration remains unclear.